The following is an entry in ClinVar:

ClinVar aggregate classification (germline): Uncertain significance (1 of 4 stars; one submission).

Conditions:
Nemaline myopathy 10 (NEM10). Identifiers: MedGen C4015360, MONDO:0014513, OMIM 616165.

Allele frequency attached by ClinVar (database versions not stated): gnomAD exomes below 0.00001 and 0.00001; TOPMed 0.00002.

Submission:

Labcorp Genetics (formerly Invitae), Labcorp
Classification: Uncertain significance for Nemaline myopathy 10. Last evaluated: 2023-11-13. Review status: criteria provided, single submitter. Criteria: Invitae Variant Classification Sherloc (09022015). Collection method: clinical testing. Allele origin: germline.
Comment: This sequence change replaces leucine, which is neutral and non-polar, with glutamine, which is neutral and polar, at codon 433 of the LMOD3 protein (p.Leu433Gln). This variant is present in population databases (rs371262604, gnomAD 0.006%). This variant has not been reported in the literature in individuals affected with LMOD3-related conditions. ClinVar contains an entry for this variant (Variation ID: 949789). An algorithm developed to predict the effect of missense changes on protein structure and function (PolyPhen-2) suggests that this variant¬†is likely to be tolerated. In summary, the available evidence is currently insufficient to determine the role of this variant in disease. Therefore, it has been classified as a Variant of Uncertain Significance.

NM_198271.5(LMOD3):c.1298T>A (p.Leu433Gln)

Gene: LMOD3 (leiomodin 3; minus strand). Cytogenetic location: 3p14.1.
Variant type: single nucleotide variant.
Coding change: c.1298T>A on transcript NM_198271.5 (MANE Select); coding-DNA position 1298, T replaced by A.
Protein change: p.Leu433Gln; replaces leucine 433 with glutamine.
Molecular consequence: missense variant.
Genome position (GRCh38, 1-based): chr3:69,119,057, A>T on the plus strand (T>A on the coding strand, the complement: LMOD3 is on the minus strand). VCF-style: chr3-69119057-A-T. GRCh37 (hg19) VCF-style: chr3-69168208-A-T.
Other names: c.1298T>A, p.Leu433Gln (NM_001304418.3); short protein forms L433Q.
Identifiers: ClinVar variation 949789 (VCV000949789.4), dbSNP rs371262604, ClinGen allele CA76452409.